The following is an entry in ClinVar:

NM_021930.6(RINT1):c.1262C>G (p.Thr421Ser)

Gene: RINT1 (RAD50 interactor 1; plus strand). Cytogenetic location: 7q22.3.
Variant type: single nucleotide variant.
Coding change: c.1262C>G on transcript NM_021930.6 (MANE Select); coding-DNA position 1262, C replaced by G.
Protein change: p.Thr421Ser; replaces threonine 421 with serine.
Molecular consequence: missense variant. On other transcripts: non-coding transcript variant (1).
Genome position (GRCh38, 1-based): chr7:105,550,415, C>G. VCF-style: chr7-105550415-C-G. GRCh37 (hg19) VCF-style: chr7-105190862-C-G.
Other names: c.1028C>G, p.Thr343Ser (NM_001346599.2); c.239C>G, p.Thr80Ser (NM_001346600.2, NM_001346603.2); c.338C>G, p.Thr113Ser (NM_001346601.2); short protein forms T113S, T343S, T80S, T421S.
Identifiers: ClinVar variation 845460 (VCV000845460.13), dbSNP rs570663343, ClinGen allele CA4426631.

ClinVar aggregate classification (germline): Uncertain significance. Review status: criteria provided, multiple submitters, no conflicts (2 of 4 stars). 2 submissions from 2 submitters: Uncertain significance (2). Last evaluated 2025-05-12.

Allele frequency attached by ClinVar (database versions not stated): ExAC 0.00001; gnomAD exomes 0.00001 and 0.00002; TOPMed 0.00002; gnomAD 0.00004 and 0.00003.
gnomAD v4.1: 35 of 1,613,956 alleles (0.0022%); highest among the groups gnomAD compares: Admixed American, 0.0033%; no homozygotes.

Submissions (2):

Labcorp Genetics (formerly Invitae), Labcorp
Classification: Uncertain significance. Last evaluated: 2025-05-12. Review status: criteria provided, single submitter. Criteria: Invitae Variant Classification Sherloc (09022015). Collection method: clinical testing. Allele origin: germline.
Comment: This sequence change replaces threonine, which is neutral and polar, with serine, which is neutral and polar, at codon 421 of the RINT1 protein (p.Thr421Ser). This variant is present in population databases (rs570663343, gnomAD 0.003%). This variant has not been reported in the literature in individuals affected with RINT1-related conditions. ClinVar contains an entry for this variant (Variation ID: 845460). An algorithm developed to predict the effect of missense changes on protein structure and function outputs the following: PolyPhen-2: "Benign". The serine amino acid residue is found in multiple mammalian species, which suggests that this missense change does not adversely affect protein function. In summary, the available evidence is currently insufficient to determine the role of this variant in disease. Therefore, it has been classified as a Variant of Uncertain Significance.

Ambry Genetics
Classification: Uncertain significance. Last evaluated: 2024-08-26. Review status: criteria provided, single submitter. Criteria: Ambry Variant Classification Scheme 2023. Collection method: clinical testing. Allele origin: germline.